The following is an entry in ClinVar:

NM_001378609.3(OTOGL):c.3172A>G (p.Arg1058Gly)

Gene: OTOGL (otogelin like; plus strand). Cytogenetic location: 12q21.31.
Variant type: single nucleotide variant.
Coding change: c.3172A>G on transcript NM_001378609.3 (MANE Select); coding-DNA position 3172, A replaced by G.
Protein change: p.Arg1058Gly; replaces arginine 1058 with glycine.
Molecular consequence: missense variant.
Genome position (GRCh38, 1-based): chr12:80,302,742, A>G. VCF-style: chr12-80302742-A-G. GRCh37 (hg19) VCF-style: chr12-80696522-A-G.
Other names: c.3037A>G, p.Arg1013Gly (NM_001368062.3); c.3172A>G, p.Arg1058Gly (NM_001378610.3, NM_173591.7); short protein forms R1049G, R1013G, R1058G.
Identifiers: ClinVar variation 667300 (VCV000667300.16), dbSNP rs201186191, ClinGen allele CA6700976.

ClinVar aggregate classification (germline): Conflicting classifications of pathogenicity. Review status: criteria provided, conflicting classifications (1 of 4 stars). 4 submissions from 4 submitters: Uncertain significance (3); Likely benign (1). Last evaluated 2025-07-06.

Conditions:
OTOGL-related disorder. Also called: OTOGL-related condition.

Allele frequency attached by ClinVar (database versions not stated): gnomAD exomes 0.00006 and 0.00010; ExAC 0.00035; ESP Exome Variant Server 0.00059; 1000 Genomes Project 30x 0.00062; gnomAD 0.00062 and 0.00068; TOPMed 0.00072; 1000 Genomes Project 0.00080.
gnomAD v4.1: 183 of 1,544,408 alleles (0.012%); highest among the groups gnomAD compares: African/African-American, 0.23%; 1 homozygote.

Submissions (4):

GeneDx
Classification: Uncertain significance. Last evaluated: 2025-07-06. Review status: criteria provided, single submitter. Criteria: GeneDx Variant Classification Process June 2021. Collection method: clinical testing. Allele origin: germline. Affected: yes.
Comment: Reported in a cohort of patients with sensorineural hearing loss in published literature (PMID: 40069133); In silico analysis supports that this missense variant has a deleterious effect on protein structure/function; This variant is associated with the following publications: (PMID: 40069133)

PreventionGenetics, part of Exact Sciences
Classification: Likely benign for OTOGL-related condition. Last evaluated: 2025-04-19. Review status: criteria provided, single submitter. Criteria: ACMG Guidelines, 2015. Collection method: clinical testing. Allele origin: germline.
Comment: This variant is classified as likely benign based on ACMG/AMP sequence variant interpretation guidelines (Richards et al. 2015 PMID: 25741868, with internal and published modifications).

Labcorp Genetics (formerly Invitae), Labcorp
Classification: Uncertain significance. Last evaluated: 2023-11-01. Review status: criteria provided, single submitter. Criteria: Invitae Variant Classification Sherloc (09022015). Collection method: clinical testing. Allele origin: germline.
Comment: This sequence change replaces arginine, which is basic and polar, with glycine, which is neutral and non-polar, at codon 1049 of the OTOGL protein (p.Arg1049Gly). This variant is present in population databases (rs201186191, gnomAD 0.2%). This variant has not been reported in the literature in individuals affected with OTOGL-related conditions. ClinVar contains an entry for this variant (Variation ID: 667300). An algorithm developed to predict the effect of missense changes on protein structure and function (PolyPhen-2) suggests that this variant¬†is likely to be tolerated. In summary, the available evidence is currently insufficient to determine the role of this variant in disease. Therefore, it has been classified as a Variant of Uncertain Significance.

Laboratory for Molecular Medicine, Mass General Brigham Personalized Medicine
Classification: Uncertain significance. Last evaluated: 2018-10-24. Review status: criteria provided, single submitter. Criteria: LMM Criteria. Collection method: clinical testing. Allele origin: germline. Observed: 1 variant allele.
Comment: Variant classified as Uncertain Significance - Favor Benign. The p.Arg1049Gly va riant in OTOGL has not been previously reported in individuals with hearing loss but has been identified in 0.1% (36/20386) of African chromosomes by the Genome Aggregation Database (gnomAD). Computational prediction tools and conservation analysis do not provide strong support for or against an impact the protein. In summary, while the clinical significance of th e p.Arg1049Gly variant is uncertain, its frequency suggests that it is more like ly to be benign. ACMG/AMP Criteria applied: BS1_Supporting.